The following is an entry in ClinVar:

NM_003359.4(UGDH):c.343C>T (p.Arg115Cys)

Gene: UGDH (UDP-glucose 6-dehydrogenase; minus strand). Cytogenetic location: 4p14.
Variant type: single nucleotide variant.
Coding change: c.343C>T on transcript NM_003359.4 (MANE Select); coding-DNA position 343, C replaced by T.
Protein change: p.Arg115Cys; replaces arginine 115 with cysteine.
Molecular consequence: missense variant. On other transcripts: intron variant (1).
Genome position (GRCh38, 1-based): chr4:39,510,783, G>A on the plus strand (C>T on the coding strand, the complement: UGDH is on the minus strand). VCF-style: chr4-39510783-G-A. GRCh37 (hg19) VCF-style: chr4-39512403-G-A.
Other names: c.52C>T, p.Arg18Cys (NM_001184701.2); c.265-233C>T (NM_001184700.2); short protein forms R115C, R18C.
Identifiers: ClinVar variation 1879603 (VCV001879603.29), dbSNP rs140504706, ClinGen allele CA2895166.

ClinVar aggregate classification (germline): Uncertain significance (1 of 4 stars; one submission).

Allele frequency attached by ClinVar (database versions not stated): ESP Exome Variant Server 0.00008; TOPMed 0.00008; 1000 Genomes Project 30x 0.00031; gnomAD exomes 0.00036; 1000 Genomes Project 0.00040; ExAC 0.00069.
gnomAD v4.1: 616 of 1,614,134 alleles (0.038%); highest among the groups gnomAD compares: Non-Finnish European, 0.014%; 2 homozygotes.

Submission:

CeGaT Center for Human Genetics Tuebingen
Classification: Uncertain significance. Last evaluated: 2022-11-01. Review status: criteria provided, single submitter. Criteria: CeGaT Center For Human Genetics Tuebingen Variant Classification Criteria Version 2. Collection method: clinical testing. Allele origin: germline. Affected: yes. Observed: 1 variant allele.
Comment: UGDH: PM2